The following is an entry in ClinVar:

ClinVar aggregate classification (germline): Conflicting classifications of pathogenicity. Review status: criteria provided, conflicting classifications (1 of 4 stars). 2 submissions from 2 submitters: Uncertain significance (1); Likely benign (1). Last evaluated 2025-03-27.

Conditions:
Cardiovascular phenotype. Identifiers: MedGen CN230736.
Long QT syndrome (LQTS). Identifiers: MedGen C0023976, MeSH D008133, MONDO:0002442. Disease mechanism: loss of function. Inheritance: Various modes of inheritance.

Allele frequency attached by ClinVar (database versions not stated): gnomAD 0.00001 and 0.00003; TOPMed 0.00002; gnomAD exomes 0.00006 and 0.00012; ExAC 0.00012.
gnomAD v4.1: 96 of 1,612,916 alleles (0.006%); highest among the groups gnomAD compares: South Asian, 0.078%; no homozygotes.

Submissions (2):

Ambry Genetics
Classification: Likely benign for Cardiovascular phenotype. Last evaluated: 2025-03-27. Review status: criteria provided, single submitter. Criteria: Ambry Variant Classification Scheme 2023. Collection method: clinical testing. Allele origin: germline.

Labcorp Genetics (formerly Invitae), Labcorp
Classification: Uncertain significance for Long QT syndrome. Last evaluated: 2023-06-25. Review status: criteria provided, single submitter. Criteria: Invitae Variant Classification Sherloc (09022015). Collection method: clinical testing. Allele origin: germline.
Comment: In summary, the available evidence is currently insufficient to determine the role of this variant in disease. Therefore, it has been classified as a Variant of Uncertain Significance. An algorithm developed to predict the effect of missense changes on protein structure and function (PolyPhen-2) suggests that this variant is likely to be disruptive. ClinVar contains an entry for this variant (Variation ID: 360831). This variant has not been reported in the literature in individuals affected with AKAP9-related conditions. This variant is present in population databases (rs780599681, gnomAD 0.08%), and has an allele count higher than expected for a pathogenic variant. This sequence change replaces arginine, which is basic and polar, with glycine, which is neutral and non-polar, at codon 1908 of the AKAP9 protein (p.Arg1908Gly).

NM_005751.5(AKAP9):c.5722A>G (p.Arg1908Gly)

Gene: AKAP9 (A-kinase anchoring protein 9; plus strand). Cytogenetic location: 7q21.2.
Variant type: single nucleotide variant.
Coding change: c.5722A>G on transcript NM_005751.5 (MANE Select); coding-DNA position 5722, A replaced by G.
Protein change: p.Arg1908Gly; replaces arginine 1908 with glycine.
Molecular consequence: missense variant.
Genome position (GRCh38, 1-based): chr7:92,061,380, A>G. VCF-style: chr7-92061380-A-G. GRCh37 (hg19) VCF-style: chr7-91690694-A-G.
Other names: c.367A>G, p.Arg123Gly (NM_001379277.1); c.5722A>G, p.Arg1908Gly (NM_147185.3); short protein forms R1908G, R123G.
Identifiers: ClinVar variation 360831 (VCV000360831.15), dbSNP rs780599681, ClinGen allele CA4336898.